The following is an entry in ClinVar:

NM_001136239.4(PRDM6):c.268GCCTCCTCC[3] (p.90ASS[3])

Genes: PRDM6 (PR/SET domain 6; plus strand), PRDM6-AS1 (PRDM6 antisense RNA 1; minus strand). Cytogenetic location: 5q23.2.
Variant type: Microsatellite.
Coding change: c.268GCCTCCTCC[3] on transcript NM_001136239.4 (MANE Select); three copies in a row of the 9-base unit GCCTCCTCC starting at c.268; the reference has two copies in a row; one copy, 9 bases duplicated.
Protein change: p.90ASS[3].
Molecular consequence: inframe insertion. On other transcripts: non-coding transcript variant (1).
Genome position (GRCh38, 1-based): chr5:123,090,291-123,090,299, GCCTCCTCC duplicated; duplicating any 9 consecutive bases within chr5:123,090,277-123,090,299 gives the same sequence; the position shown is the placement nearest the transcript's 3' end. VCF-style (leftmost placement, unchanged base first): chr5-123090276-A-ACCTCCGCCT. GRCh37 (hg19) VCF-style: chr5-122425971-A-ACCTCCGCCT.
Other names: c.277_285dup9 (NM_001136239.1).
Identifiers: ClinVar variation 769305 (VCV000769305.6), dbSNP rs70988558, ClinGen allele CA3386319.

ClinVar aggregate classification (germline): Benign. Review status: criteria provided, single submitter (1 of 4 stars). 2 submissions from 2 submitters: Benign (1). 1 of the submissions does not count toward it. Last evaluated 2019-12-31.

Conditions:
PRDM6-related disorder. Also called: PRDM6-related condition.

Submissions (2):

Labcorp Genetics (formerly Invitae), Labcorp
Classification: Benign. Last evaluated: 2019-12-31. Review status: criteria provided, single submitter. Criteria: Invitae Variant Classification Sherloc (09022015). Collection method: clinical testing. Allele origin: germline.

PreventionGenetics, part of Exact Sciences
Classification: Benign for PRDM6-related condition. Last evaluated: 2020-08-24. Review status: no assertion criteria provided. Collection method: clinical testing. Allele origin: germline. Not counted in ClinVar's aggregate classification.
Comment: This variant is classified as benign based on ACMG/AMP sequence variant interpretation guidelines (Richards et al. 2015 PMID: 25741868, with internal and published modifications).